The following is an entry in ClinVar:

NM_001365999.1(SZT2):c.1028G>A (p.Arg343Gln)

Gene: SZT2 (SZT2 subunit of KICSTOR complex; plus strand). Cytogenetic location: 1p34.2.
Variant type: single nucleotide variant.
Coding change: c.1028G>A on transcript NM_001365999.1 (MANE Select); coding-DNA position 1028, G replaced by A.
Protein change: p.Arg343Gln; replaces arginine 343 with glutamine.
Molecular consequence: missense variant.
Genome position (GRCh38, 1-based): chr1:43,419,882, G>A. VCF-style: chr1-43419882-G-A. GRCh37 (hg19) VCF-style: chr1-43885553-G-A.
Other names: c.1028G>A, p.Arg343Gln (NM_015284.4); short protein forms R343Q.
Identifiers: ClinVar variation 950575 (VCV000950575.7), dbSNP rs1302507808, ClinGen allele CA340006168.

ClinVar aggregate classification (germline): Uncertain significance (1 of 4 stars; one submission).

gnomAD v4.1: 17 of 1,598,276 alleles (0.0011%); highest among the groups gnomAD compares: Admixed American, 0.0033%; no homozygotes.

Submission:

Labcorp Genetics (formerly Invitae), Labcorp
Classification: Uncertain significance. Last evaluated: 2022-08-09. Review status: criteria provided, single submitter. Criteria: Invitae Variant Classification Sherloc (09022015). Collection method: clinical testing. Allele origin: germline.
Comment: This sequence change replaces arginine, which is basic and polar, with glutamine, which is neutral and polar, at codon 343 of the SZT2 protein (p.Arg343Gln). This variant is present in population databases (no rsID available, gnomAD 0.003%). This variant has not been reported in the literature in individuals affected with SZT2-related conditions. ClinVar contains an entry for this variant (Variation ID: 950575). Algorithms developed to predict the effect of missense changes on protein structure and function are either unavailable or do not agree on the potential impact of this missense change (SIFT: "Tolerated"; PolyPhen-2: "Possibly Damaging"; Align-GVGD: "Class C0"). Algorithms developed to predict the effect of sequence changes on RNA splicing suggest that this variant may create or strengthen a splice site. In summary, the available evidence is currently insufficient to determine the role of this variant in disease. Therefore, it has been classified as a Variant of Uncertain Significance.